The following is an entry in ClinVar:

ClinVar aggregate classification (germline): Benign/Likely benign. Review status: criteria provided, multiple submitters, no conflicts (2 of 4 stars). 3 submissions from 3 submitters: Benign (1); Likely benign (2). Last evaluated 2026-06-08.

Conditions:
Chuvash polycythemia. Also called: POLYCYTHEMIA, VHL-DEPENDENT. Identifiers: Orphanet 238557, MedGen C1837915, MONDO:0009892, OMIM 263400.
Von Hippel-Lindau syndrome (VHLS). Also called: von Hippel–Lindau syndrome; VHL syndrome; Von Hippel-Lindau. Identifiers: Orphanet 892, MedGen C0019562, MONDO:0008667, OMIM 193300. Disease mechanism: loss of function.
Hereditary cancer-predisposing syndrome. Also called: Hereditary neoplastic syndrome; Neoplastic Syndromes, Hereditary; Tumor predisposition; Hereditary Cancer Syndrome. Identifiers: Orphanet 140162, MedGen C0027672, MeSH D009386, MONDO:0015356.

gnomAD v4.1: 1 of 1,604,786 alleles (0.000062%); highest among the groups gnomAD compares: Non-Finnish European, 0.000085%; no homozygotes.

Submissions (3):

Ambry Genetics
Classification: Likely benign for Hereditary cancer-predisposing syndrome. Last evaluated: 2026-06-08. Review status: criteria provided, single submitter. Criteria: Ambry Variant Classification Scheme 2023. Collection method: clinical testing. Allele origin: germline.

Labcorp Genetics (formerly Invitae), Labcorp
Classification: Likely benign for Von Hippel-Lindau syndrome; Chuvash polycythemia. Last evaluated: 2025-07-13. Review status: criteria provided, single submitter. Criteria: Invitae Variant Classification Sherloc (09022015). Collection method: clinical testing. Allele origin: germline.

Myriad Genetics, Inc.
Classification: Benign for Von Hippel-Lindau syndrome. Last evaluated: 2025-06-10. Review status: criteria provided, single submitter. Criteria: Myriad Autosomal Dominant, Autosomal Recessive and X-Linked Classification Criteria (2023). Collection method: clinical testing. Allele origin: unknown.
Comment: This variant is considered benign. This variant is a silent/synonymous amino acid change and it is not expected to impact splicing.

NM_000551.4(VHL):c.243G>C (p.Pro81=)

Gene: VHL (von Hippel-Lindau tumor suppressor; plus strand). Cytogenetic location: 3p25.3.
Variant type: single nucleotide variant.
Coding change: c.243G>C on transcript NM_000551.4 (MANE Select); coding-DNA position 243, G replaced by C.
Protein change: p.Pro81=; no amino-acid change (proline 81 retained).
Molecular consequence: synonymous variant. On other transcripts: non-coding transcript variant (1).
Genome position (GRCh38, 1-based): chr3:10,142,090, G>C. VCF-style: chr3-10142090-G-C. GRCh37 (hg19) VCF-style: chr3-10183774-G-C.
Other names: c.243G>C, p.Pro81= (NM_001354723.2, NM_198156.3).
Identifiers: ClinVar variation 2927601 (VCV002927601.5), dbSNP rs758034030, ClinGen allele CA432420449.
Genomic context (GRCh38, chr3:10,142,090, plus strand): 5'-CGTGCTGCGCTCGGTGAACTCGCGCGAGCCCTCCCAGGTCATCTTCTGCAATCGCAGTCC[G>C]CGCGTCGTGCTGCCCGTATGGCTCAACTTCGACGGCGAGCCGCAGCCCTACCCAACGCTG-3'
Protein context (NP_000542.1, residues 71-91): PSQVIFCNRS[Pro81=]RVVLPVWLNF